The following is an entry in ClinVar:

NM_018136.5(ASPM):c.4213C>T (p.Arg1405Cys)

Gene: ASPM (assembly factor for spindle microtubules; minus strand). Cytogenetic location: 1q31.3.
Variant type: single nucleotide variant.
Coding change: c.4213C>T on transcript NM_018136.5 (MANE Select); coding-DNA position 4213, C replaced by T.
Protein change: p.Arg1405Cys; replaces arginine 1405 with cysteine.
Molecular consequence: missense variant. On other transcripts: intron variant (1).
Genome position (GRCh38, 1-based): chr1:197,105,038, G>A on the plus strand (C>T on the coding strand, the complement: ASPM is on the minus strand). VCF-style: chr1-197105038-G-A. GRCh37 (hg19) VCF-style: chr1-197074168-G-A.
Other names: c.4066-8874C>T (NM_001206846.2); short protein forms R1405C.
Identifiers: ClinVar variation 157818 (VCV000157818.70), dbSNP rs139367209, ClinGen allele CA171208.

ClinVar aggregate classification (germline): Benign/Likely benign. Review status: criteria provided, multiple submitters, no conflicts (2 of 4 stars). 12 submissions from 12 submitters: Benign (6); Likely benign (5). 1 of the submissions does not count toward it. Last evaluated 2026-09-01.

Conditions:
ASPM-related disorder. Also called: ASPM-related condition.
Microcephaly 5, primary, autosomal recessive (MCPH5). Also called: ASPM Primary Microcephaly. Identifiers: Orphanet 2512, MedGen C1837501, MONDO:0012106, OMIM 608716.

Allele frequency attached by ClinVar (database versions not stated): 1000 Genomes Project 30x 0.00344; TOPMed 0.00373; ESP Exome Variant Server 0.00392; gnomAD 0.00396 and 0.00432; 1000 Genomes Project 0.00419; gnomAD exomes 0.00521 and 0.00574; ExAC 0.00553.
gnomAD v4.1: 8,958 of 1,610,098 alleles (0.56%); highest among the groups gnomAD compares: South Asian, 1.3%; 59 homozygotes.

Submissions (20):

CeGaT Center for Human Genetics Tuebingen
Classification: Benign. Last evaluated: 2026-09-01. Review status: criteria provided, single submitter. Criteria: CeGaT Center For Human Genetics Tuebingen Variant Classification Criteria Version 2. Collection method: clinical testing. Allele origin: germline. Affected: yes. Observed: 26 variant alleles.
Comment: ASPM: BS1, BS2

Labcorp Genetics (formerly Invitae), Labcorp
Classification: Benign. Last evaluated: 2026-01-22. Review status: criteria provided, single submitter. Criteria: Invitae Variant Classification Sherloc (09022015). Collection method: clinical testing. Allele origin: germline.

Genome-Nilou Lab
Classification: Likely benign for Microcephaly 5, primary, autosomal recessive. Last evaluated: 2023-04-11. Review status: criteria provided, single submitter. Criteria: ACMG Guidelines, 2015. Collection method: clinical testing. Allele origin: germline. Affected: no.

Fulgent Genetics
Classification: Likely benign for Microcephaly 5, primary, autosomal recessive. Last evaluated: 2021-12-15. Review status: criteria provided, single submitter. Criteria: ACMG Guidelines, 2015. Collection method: clinical testing. Allele origin: unknown.

Athena Diagnostics
Classification: Benign. Last evaluated: 2018-11-14. Review status: criteria provided, single submitter. Criteria: Athena Diagnostics Criteria. Collection method: clinical testing. Allele origin: germline.

Illumina Laboratory Services, Illumina
Classification: Likely benign for Microcephaly 5, primary, autosomal recessive. Last evaluated: 2018-01-13. Review status: criteria provided, single submitter. Criteria: ICSL Variant Classification Criteria 13 December 2019. Collection method: clinical testing. Allele origin: germline.
Comment: This variant was observed in the ICSL laboratory as part of a predisposition screen in an ostensibly healthy population. It had not been previously curated by ICSL or reported in the Human Gene Mutation Database (HGMD: prior to June 1st, 2018), and was therefore a candidate for classification through an automated scoring system. Utilizing variant allele frequency, disease prevalence and penetrance estimates, and inheritance mode, an automated score was calculated to assess if this variant is too frequent to cause the disease. Based on the score and internal cut-off values, a variant classified as likely benign is not then subjected to further curation. The score for this variant resulted in a classification of likely benign for this disease.

Center for Pediatric Genomic Medicine, Children's Mercy Hospital and Clinics
Classification: Likely benign. Last evaluated: 2016-09-29. Review status: criteria provided, single submitter. Criteria: ACMG Guidelines, 2015. Collection method: clinical testing. Allele origin: germline.
ClinVar note: Converted during submission from Likely Benign to Likely benign.

GeneDx
Classification: Benign. Last evaluated: 2016-06-20. Review status: criteria provided, single submitter. Criteria: GeneDx Variant Classification (06012015). Collection method: clinical testing. Allele origin: germline. Affected: yes.
Comment: This variant is considered likely benign or benign based on one or more of the following criteria: it is a conservative change, it occurs at a poorly conserved position in the protein, it is predicted to be benign by multiple in silico algorithms, and/or has population frequency not consistent with disease.

Genetic Services Laboratory, University of Chicago
Classification: Benign. Last evaluated: 2016-02-02. Review status: criteria provided, single submitter. Criteria: ACMG Guidelines, 2015. Collection method: clinical testing. Allele origin: germline. Affected: no.

Eurofins Ntd Llc (ga)
Classification: Benign. Last evaluated: 2015-01-02. Review status: criteria provided, single submitter. Criteria: EGL Classification Definitions 2015. Collection method: clinical testing. Allele origin: germline. Observed: 1 variant allele, 1 heterozygote.

Breakthrough Genomics
Classification: Likely benign. Review status: criteria provided, single submitter. Criteria: ACMG Guidelines, 2015. Collection method: not provided. Allele origin: germline. Inheritance: Autosomal recessive inheritance. Affected: yes.

PreventionGenetics, part of Exact Sciences
Classification: Benign for ASPM-related condition. Last evaluated: 2020-04-02. Review status: no assertion criteria provided. Collection method: clinical testing. Allele origin: germline. Not counted in ClinVar's aggregate classification.
Comment: This variant is classified as benign based on ACMG/AMP sequence variant interpretation guidelines (Richards et al. 2015 PMID: 25741868, with internal and published modifications).

Dr. Peter K. Rogan Lab, Western University
No classification provided (evidence only). Condition: Melanoma. Review status: no classification provided. Collection method: in vitro. Allele origin: not applicable. Functional consequence: retained intron. Not counted in ClinVar's aggregate classification.

Dr. Peter K. Rogan Lab, Western University
No classification provided (evidence only). Condition: Melanoma. Review status: no classification provided. Collection method: in vitro. Allele origin: not applicable. Functional consequence: retained intron. Not counted in ClinVar's aggregate classification.

Dr. Peter K. Rogan Lab, Western University
No classification provided (evidence only). Condition: Thyroid cancer, nonmedullary, 1. Review status: no classification provided. Collection method: in vitro. Allele origin: not applicable. Functional consequence: retained intron. Not counted in ClinVar's aggregate classification.

Dr. Peter K. Rogan Lab, Western University
No classification provided (evidence only). Condition: Sarcoma. Review status: no classification provided. Collection method: in vitro. Allele origin: not applicable. Functional consequence: retained intron. Not counted in ClinVar's aggregate classification.

Dr. Peter K. Rogan Lab, Western University
No classification provided (evidence only). Condition: Malignant lymphoma, large B-cell, diffuse. Review status: no classification provided. Collection method: in vitro. Allele origin: not applicable. Functional consequence: retained intron. Not counted in ClinVar's aggregate classification.

Dr. Peter K. Rogan Lab, Western University
No classification provided (evidence only). Condition: Thymoma. Review status: no classification provided. Collection method: in vitro. Allele origin: not applicable. Functional consequence: retained intron. Not counted in ClinVar's aggregate classification.

Dr. Peter K. Rogan Lab, Western University
No classification provided (evidence only). Condition: Ovarian serous cystadenocarcinoma. Review status: no classification provided. Collection method: in vitro. Allele origin: not applicable. Functional consequence: retained intron. Not counted in ClinVar's aggregate classification.

Dr. Peter K. Rogan Lab, Western University
No classification provided (evidence only). Condition: Gastric cancer. Review status: no classification provided. Collection method: in vitro. Allele origin: not applicable. Functional consequence: retained intron. Not counted in ClinVar's aggregate classification.

Literature cited by the submitters: PubMed 29522511 (cited by Athena Diagnostics).